The following is an entry in ClinVar:

ClinVar aggregate classification (germline): Conflicting classifications of pathogenicity. Review status: criteria provided, conflicting classifications (1 of 4 stars). 3 submissions from 3 submitters: Uncertain significance (1); Benign (1); Likely benign (1). Last evaluated 2025-02-10.

Conditions:
Hereditary breast ovarian cancer syndrome. Also called: Hereditary breast and ovarian cancer; Hereditary breast and ovarian cancer syndrome (HBOC); Breast and ovarian cancer; Hereditary breast and/or ovarian cancer syndrome; BRCA1- and BRCA2-Associated Hereditary Breast and Ovarian Cancer; Hereditary breast and ovarian cancer syndrome. Identifiers: Orphanet 145, MedGen C0677776, MeSH D061325, MONDO:0003582. Disease mechanism: loss of function.
Hereditary cancer-predisposing syndrome. Also called: Neoplastic Syndromes, Hereditary; Tumor predisposition; Hereditary Cancer Syndrome; Hereditary neoplastic syndrome. Identifiers: Orphanet 140162, MedGen C0027672, MeSH D009386, MONDO:0015356.
Breast-ovarian cancer, familial, susceptibility to, 1 (BROVCA1). Also called: BRCA1 Hereditary Breast and Ovarian Cancer; OVARIAN CANCER, SUSCEPTIBILITY TO. Identifiers: Orphanet 145, MedGen C2676676, MONDO:0011450, OMIM 604370. Disease mechanism: loss of function.

Allele frequency attached by ClinVar (database versions not stated): gnomAD exomes below 0.00001.
gnomAD v4.1: 1 of 1,614,228 alleles (0.000062%); no homozygotes.

Submissions (4):

Ambry Genetics
Classification: Benign for Hereditary cancer-predisposing syndrome. Last evaluated: 2025-02-10. Review status: criteria provided, single submitter. Criteria: Ambry Variant Classification Scheme 2023. Collection method: clinical testing. Allele origin: germline.

Labcorp Genetics (formerly Invitae), Labcorp
Classification: Uncertain significance for Hereditary breast ovarian cancer syndrome. Last evaluated: 2024-12-22. Review status: criteria provided, single submitter. Criteria: Invitae Variant Classification Sherloc (09022015). Collection method: clinical testing. Allele origin: germline.
Comment: This sequence change replaces arginine, which is basic and polar, with lysine, which is basic and polar, at codon 1634 of the BRCA1 protein (p.Arg1634Lys). This variant is present in population databases (no rsID available, gnomAD no frequency). This variant has not been reported in the literature in individuals affected with BRCA1-related conditions. ClinVar contains an entry for this variant (Variation ID: 868384). Invitae Evidence Modeling incorporating data from in vitro experimental studies (PMID: 30209399) indicates that this missense variant is not expected to disrupt BRCA1 function with a negative predictive value of 95%. Experimental studies have shown that this missense change does not substantially affect BRCA1 function (PMID: 30209399). In summary, the available evidence is currently insufficient to determine the role of this variant in disease. Therefore, it has been classified as a Variant of Uncertain Significance.

Lupski Lab, Baylor-Hopkins CMG, Baylor College of Medicine
Classification: Likely benign for Breast-ovarian cancer, familial, susceptibility to, 1. Last evaluated: 2024-04-12. Review status: criteria provided, single submitter. Criteria: Dawood et al. (medRxiv. 2024). Collection method: curation. Allele origin: germline.
Comment: Each variant was annotated with functional scores from MAVE data which was translated into functional evidence codes. All other evidence codes and combining criteria were adhered to as closely as possible based on the ClinGen VCEP (Variant Curation Expert Panel) gene-specific recommendations. See Supplemental Figure 34 of final paper (Supp Fig. 28 in preprint: doi:10.1101/2024.04.11.24305690) for a table to see which lines of evidence we did not have data for. The ClinGen VCEPs are highly regarded as the gold-standard for gene-specific variant curation and are developed after extensive evaluation of the evidence by clinical and scientific experts for the particular gene to classify genomic variants on a spectrum from pathogenic to benign using the 2015 ACMG/AMP Variant Interpretation Guidelines as a backbone (PMID: 25741868). Reclassification of these VUS variants from gnomAD or All of Us focused only on variants originally prescribed as VUS in ClinVar. To ensure reproducibility, transparency, and increased throughput, all the procedures for annotating variants and assigning evidence codes were codified using Python. All code has been made freely available and is linked in the Code Availability section and all reclassified variants with evidence codes used can be found in Tables S18-19 (preprint: doi:10.1101/2024.04.11.24305690). For the MAVE data, the clinical curation and clinical strength assignment as per the ClinGen recommendations in Brnich et al. (2020) (PMID: 31892348) for or against pathogenicity or benignity of each of these MAVE datasets utilized in this study were previously published in Fayer et al. (2021) (PMID: 34793697).In brief, for BRCA1 variants, if a variant was categorized as FUNC (functional), it was assigned BS3 evidence and no PS3 evidence, whereas if it was categorized as LOF (loss of function), the variant was assigned PS3 evidence and no BS3 evidence. Variants categorized as INT (intermediate) were left unannotated. For the BRCA1 combining criteria, greater than or equal to 1 criteria of strong benign evidence was enough to reclassify the VUS as Likely Benign. This variant GRCh37:17:41223030:C>T was assigned evidence codes ['BS3', 'BP4'] and an overall classification of Likely Benign

Brotman Baty Institute, University of Washington
No classification provided (evidence only). Condition: Breast-ovarian cancer, familial 1. Review status: no classification provided. Collection method: in vitro. Allele origin: not applicable. Functional consequence: functionally_normal. Not counted in ClinVar's aggregate classification.
ClinVar note: "not provided" was previously submitted as the classification for the variant. However, the classification appeared to be based only on an observation of functional data so it was converted to no classification on 2025-07-30.

Literature cited by the submitters: PubMed 30209399 (cited by Ambry Genetics and Labcorp Genetics (formerly Invitae), Labcorp); PubMed 35196514 (cited by Ambry Genetics); PubMed 39142283 (cited by Lupski Lab, Baylor-Hopkins CMG, Baylor College of Medicine); PubMed 34793697 (cited by Lupski Lab, Baylor-Hopkins CMG, Baylor College of Medicine); DOI 10.1101/2024.04.11.24305690 (cited by Lupski Lab, Baylor-Hopkins CMG, Baylor College of Medicine).

NM_007294.4(BRCA1):c.4901G>A (p.Arg1634Lys)

Gene: BRCA1 (BRCA1 DNA repair associated; minus strand). Cytogenetic location: 17q21.31.
Variant type: single nucleotide variant.
Coding change: c.4901G>A on transcript NM_007294.4 (MANE Select); coding-DNA position 4901, G replaced by A.
Protein change: p.Arg1634Lys; replaces arginine 1634 with lysine.
Molecular consequence: missense variant. On other transcripts: non-coding transcript variant (1).
Genome position (GRCh38, 1-based): chr17:43,071,013, C>T on the plus strand (G>A on the coding strand, the complement: BRCA1 is on the minus strand). VCF-style: chr17-43071013-C-T. GRCh37 (hg19) VCF-style: chr17-41223030-C-T.
Other names: c.4688G>A, p.Arg1563Lys (NM_001407571.1, NM_001407894.1, NM_001407895.1 and 12 more transcripts); c.4967G>A, p.Arg1656Lys (NM_001407581.1, NM_001407582.1); c.4964G>A, p.Arg1655Lys (NM_001407583.1, NM_001407585.1, NM_001407587.1 and 1 more transcripts); c.4961G>A, p.Arg1654Lys (NM_001407590.1, NM_001407591.1); c.4901G>A, p.Arg1634Lys (NM_001407593.1, NM_001407594.1, NM_001407596.1 and 8 more transcripts); c.4898G>A, p.Arg1633Lys (NM_001407610.1, NM_001407621.1, NM_001407622.1 and 17 more transcripts); c.4895G>A, p.Arg1632Lys (NM_001407627.1, NM_001407628.1, NM_001407629.1 and 14 more transcripts); c.4892G>A, p.Arg1631Lys (NM_001407644.1, NM_001407645.1); and 70 more; short protein forms R1634K, R1655K, R1587K, R530K, R1505K, R1523K, R1544K, R1607K.
Identifiers: ClinVar variation 868384 (VCV000868384.13), dbSNP rs1489040931, ClinGen allele CA10591723.